The following is an entry in ClinVar:

NM_001035.3(RYR2):c.5023G>T (p.Ala1675Ser)

Gene: RYR2 (ryanodine receptor 2; plus strand). Cytogenetic location: 1q43.
Variant type: single nucleotide variant.
Coding change: c.5023G>T on transcript NM_001035.3 (MANE Select); coding-DNA position 5023, G replaced by T.
Protein change: p.Ala1675Ser; replaces alanine 1675 with serine.
Molecular consequence: missense variant.
Genome position (GRCh38, 1-based): chr1:237,614,151, G>T. VCF-style: chr1-237614151-G-T. GRCh37 (hg19) VCF-style: chr1-237777451-G-T.
Other names: short protein forms A1675S.
Identifiers: ClinVar variation 1433954 (VCV001433954.9), dbSNP rs2148593845, ClinGen allele CA345403849.

ClinVar aggregate classification (germline): Uncertain significance (1 of 4 stars; one submission).

Conditions:
Catecholaminergic polymorphic ventricular tachycardia 1. Also called: VENTRICULAR TACHYCARDIA, CATECHOLAMINERGIC POLYMORPHIC, 1, WITH OR WITHOUT ATRIAL DYSFUNCTION AND/OR DILATED CARDIOMYOPATHY; RYR2-Related Catecholaminergic Polymorphic Ventricular Tachycardia; VENTRICULAR TACHYCARDIA, STRESS-INDUCED POLYMORPHIC 1. Identifiers: Orphanet 3286, MedGen C1631597, MONDO:0011484, OMIM 604772.

Submission:

Labcorp Genetics (formerly Invitae), Labcorp
Classification: Uncertain significance for Catecholaminergic polymorphic ventricular tachycardia 1. Last evaluated: 2021-06-17. Review status: criteria provided, single submitter. Criteria: Invitae Variant Classification Sherloc (09022015). Collection method: clinical testing. Allele origin: germline.
Comment: This sequence change replaces alanine with serine at codon 1675 of the RYR2 protein (p.Ala1675Ser). The alanine residue is highly conserved and there is a moderate physicochemical difference between alanine and serine. This variant is not present in population databases (ExAC no frequency). This variant has not been reported in the literature in individuals with RYR2-related conditions. Advanced modeling of protein sequence and biophysical properties (such as structural, functional, and spatial information, amino acid conservation, physicochemical variation, residue mobility, and thermodynamic stability) performed at Invitae indicates that this missense variant is expected to disrupt RYR2 protein function. In summary, the available evidence is currently insufficient to determine the role of this variant in disease. Therefore, it has been classified as a Variant of Uncertain Significance.